The following is an entry in ClinVar:

NM_021615.5(CHST6):c.129G>A (p.Val43=)

Gene: CHST6 (carbohydrate sulfotransferase 6; minus strand). Cytogenetic location: 16q23.1.
Variant type: single nucleotide variant.
Coding change: c.129G>A on transcript NM_021615.5 (MANE Select); coding-DNA position 129, G replaced by A.
Protein change: p.Val43=; no amino-acid change (valine 43 retained).
Molecular consequence: synonymous variant.
Genome position (GRCh38, 1-based): chr16:75,479,700, C>T on the plus strand (G>A on the coding strand, the complement: CHST6 is on the minus strand). VCF-style: chr16-75479700-C-T. GRCh37 (hg19) VCF-style: chr16-75513598-C-T.
Identifiers: ClinVar variation 320614 (VCV000320614.16), dbSNP rs112939575, ClinGen allele CA8175577.

ClinVar aggregate classification (germline): Benign/Likely benign. Review status: criteria provided, multiple submitters, no conflicts (2 of 4 stars). 4 submissions from 4 submitters: Benign (3); Likely benign (1). Last evaluated 2026-01-18.

Conditions:
Macular corneal dystrophy (MCD). Also called: GROENOUW TYPE II CORNEAL DYSTROPHY; Macular corneal dystrophy Type I. Identifiers: Orphanet 98969, MedGen C1636149, MONDO:0009020, OMIM 217800.

Allele frequency attached by ClinVar (database versions not stated): gnomAD exomes 0.00034 and 0.00093; ExAC 0.00126; 1000 Genomes Project 0.00280; 1000 Genomes Project 30x 0.00281; gnomAD 0.00338 and 0.00366; ESP Exome Variant Server 0.00339; TOPMed 0.00371.

Submissions (4):

Labcorp Genetics (formerly Invitae), Labcorp
Classification: Benign for Macular corneal dystrophy. Last evaluated: 2026-01-18. Review status: criteria provided, single submitter. Criteria: Invitae Variant Classification Sherloc (09022015). Collection method: clinical testing. Allele origin: germline.

Blueprint Genetics
Classification: Likely benign. Last evaluated: 2024-11-27. Review status: criteria provided, single submitter. Criteria: ACMG Guidelines, 2015. Collection method: clinical testing. Allele origin: germline.

Illumina Laboratory Services, Illumina
Classification: Benign for Macular corneal dystrophy. Last evaluated: 2018-01-12. Review status: criteria provided, single submitter. Criteria: ICSL Variant Classification Criteria 13 December 2019. Collection method: clinical testing. Allele origin: germline.
Comment: This variant was observed in the ICSL laboratory as part of a predisposition screen in an ostensibly healthy population. It had not been previously curated by ICSL or reported in the Human Gene Mutation Database (HGMD: prior to June 1st, 2018), and was therefore a candidate for classification through an automated scoring system. Utilizing variant allele frequency, disease prevalence and penetrance estimates, and inheritance mode, an automated score was calculated to assess if this variant is too frequent to cause the disease. Based on the score and internal cut-off values, a variant classified as benign is not then subjected to further curation. The score for this variant resulted in a classification of benign for this disease.

Breakthrough Genomics
Classification: Benign. Review status: criteria provided, single submitter. Criteria: ACMG Guidelines, 2015. Collection method: not provided. Allele origin: germline. Inheritance: Autosomal recessive inheritance. Affected: yes.